The following is an entry in ClinVar:

ClinVar aggregate classification (germline): Conflicting classifications of pathogenicity. Review status: criteria provided, conflicting classifications (1 of 4 stars). 2 submissions from 2 submitters: Uncertain significance (1); Likely benign (1). Last evaluated 2025-12-13.

Conditions:
Recessive dystrophic epidermolysis bullosa (RDEB). Also called: DYSTROPHIC EPIDERMOLYSIS BULLOSA, AUTOSOMAL RECESSIVE; EPIDERMOLYSIS BULLOSA DYSTROPHICA, HALLOPEAU-SIEMENS TYPE; severe generalized recessive dystrophic epidermolysis bullosa; Epidermolysis Bullosa Distrophica Autosomal Recessive (RDEB); Hallopeau-Siemens Disease; epidermolysis bullosa dystrophica, autosomal recessive. Identifiers: Orphanet 79408, Orphanet 79409, MedGen C0079474, MONDO:0009179, OMIM 226600.
Epidermolysis bullosa dystrophica. Also called: Dystrophic epidermolysis bullosa, Hallopeau-Siemens type (formerly); Dystrophic epidermolysis bullosa. Identifiers: Orphanet 303, MedGen C0079294, MONDO:0006543.

Allele frequency attached by ClinVar (database versions not stated): gnomAD exomes 0.00003; gnomAD 0.00001; TOPMed 0.00002; ExAC 0.00003; ESP Exome Variant Server 0.00015.
gnomAD v4.1: 40 of 1,614,074 alleles (0.0025%); highest among the groups gnomAD compares: Admixed American, 0.0033%; no homozygotes.

Submissions (2):

Labcorp Genetics (formerly Invitae), Labcorp
Classification: Likely benign. Last evaluated: 2025-12-13. Review status: criteria provided, single submitter. Criteria: Invitae Variant Classification Sherloc (09022015). Collection method: clinical testing. Allele origin: germline.

Department of Pathology and Laboratory Medicine, Sinai Health System
Classification: Uncertain significance for recessive dystrophic epidermolysis bullosa. Last evaluated: 2022-02-15. Review status: criteria provided, single submitter. Criteria: ACMG Guidelines, 2015. Collection method: research. Allele origin: germline.

NM_000094.4(COL7A1):c.8684G>A (p.Arg2895Gln)

Gene: COL7A1 (collagen type VII alpha 1 chain; minus strand). Cytogenetic location: 3p21.31.
Variant type: single nucleotide variant.
Coding change: c.8684G>A on transcript NM_000094.4 (MANE Select); coding-DNA position 8684, G replaced by A.
Protein change: p.Arg2895Gln; replaces arginine 2895 with glutamine.
Molecular consequence: missense variant.
Genome position (GRCh38, 1-based): chr3:48,564,917, C>T on the plus strand (G>A on the coding strand, the complement: COL7A1 is on the minus strand). VCF-style: chr3-48564917-C-T. GRCh37 (hg19) VCF-style: chr3-48602350-C-T.
Other names: short protein forms R2895Q.
Identifiers: ClinVar variation 1177512 (VCV001177512.9), dbSNP rs147911102, ClinGen allele CA2377896.